The following is an entry in ClinVar:

NM_000540.3(RYR1):c.9122+1G>A

Gene: RYR1 (ryanodine receptor 1; plus strand). Cytogenetic location: 19q13.2.
Variant type: single nucleotide variant.
Coding change: c.9122+1G>A on transcript NM_000540.3 (MANE Select); the canonical splice donor site of the intron after coding-DNA position 9122, G replaced by A.
Molecular consequence: splice donor variant.
Genome position (GRCh38, 1-based): chr19:38,510,782, G>A. VCF-style: chr19-38510782-G-A. GRCh37 (hg19) VCF-style: chr19-39001422-G-A.
Other names: c.9122+1G>A (NM_001042723.2).
Identifiers: ClinVar variation 3640612 (VCV003640612.2).
Genomic context (GRCh38, chr19:38,510,782, plus strand): 5'-GGCTAAAGTGCTGGGCAGCGGTGGCCACGCCTCTAACAAGGAGAAGGAAATGATCACCAG[G>A]TGGGCCGCCTGTGACCCTGGACCCAGCCCCCTGACCTCACAGGATTGTAATCCTTTGCCC-3'

ClinVar aggregate classification (germline): Likely pathogenic (1 of 4 stars; one submission).

Conditions:
RYR1-related disorder. Also called: RYR1-related condition; RYR1-related disorders. Identifiers: MedGen CN239331.

Submission:

Labcorp Genetics (formerly Invitae), Labcorp
Classification: Likely pathogenic for RYR1-related disorder. Last evaluated: 2024-02-13. Review status: criteria provided, single submitter. Criteria: Invitae Variant Classification Sherloc (09022015). Collection method: clinical testing. Allele origin: germline.
Comment: This sequence change affects a donor splice site in intron 60 of the RYR1 gene. It is expected to disrupt RNA splicing. Variants that disrupt the donor or acceptor splice site typically lead to a loss of protein function (PMID: 16199547), and loss-of-function variants in RYR1 are known to be pathogenic (PMID: 23919265, 25960145, 28818389, 30611313). This variant is not present in population databases (gnomAD no frequency). This variant has not been reported in the literature in individuals affected with RYR1-related conditions. Algorithms developed to predict the effect of sequence changes on RNA splicing suggest that this variant may disrupt the consensus splice site. In summary, the currently available evidence indicates that the variant is pathogenic, but additional data are needed to prove that conclusively. Therefore, this variant has been classified as Likely Pathogenic.

Literature cited by the submitters: PubMed 16199547; PubMed 23919265; PubMed 25960145; PubMed 28818389; PubMed 30611313.